The following is an entry in ClinVar:

ClinVar aggregate classification (germline): Uncertain significance (1 of 4 stars; one submission).

Submission:

Women's Health and Genetics/Laboratory Corporation of America, LabCorp
Classification: Uncertain significance. Last evaluated: 2017-10-30. Review status: criteria provided, single submitter. Criteria: LabCorp Variant Classification Summary - May 2015. Collection method: clinical testing. Allele origin: germline.
Comment: Variant summary: The c.2914A>T (p.Arg972Trp) in ABCC9 gene is a missense variant involves a non-conserved nucleotide and 4/4 in silico tools predict deleterious outcome, however no functional studies supporting these predictions were published at the time of evaluation. The variant is located within a known functional domain. The c.2914A>T is absent from the control population dataset of gnomAD (245724 chrs tested). To our knowledge, the variant has not been reported in affected individuals via published reports or cited by reputable databases/clinical laboratories. Taken together, the variant was classified as VUS, until new information becomes available.

NM_020297.4(ABCC9):c.2914A>T (p.Arg972Trp)

Gene: ABCC9 (ATP binding cassette subfamily C member 9; minus strand). Cytogenetic location: 12p12.1.
Variant type: single nucleotide variant.
Coding change: c.2914A>T on transcript NM_020297.4 (MANE Select); coding-DNA position 2914, A replaced by T.
Protein change: p.Arg972Trp; replaces arginine 972 with tryptophan.
Molecular consequence: missense variant.
Genome position (GRCh38, 1-based): chr12:21,845,785, T>A on the plus strand (A>T on the coding strand, the complement: ABCC9 is on the minus strand). VCF-style: chr12-21845785-T-A. GRCh37 (hg19) VCF-style: chr12-21998719-T-A.
Other names: c.2914A>T, p.Arg972Trp (NM_001377273.1, NM_005691.4); c.2047A>T, p.Arg683Trp (NM_001377274.1); short protein forms R972W, R683W.
Identifiers: ClinVar variation 632621 (VCV000632621.1), dbSNP rs1565731883, ClinGen allele CA384120492.
Genomic context (GRCh38, chr12:21,845,785, plus strand): 5'-AGAATCCTCCAGATGTCAGGTAGCGCCAGCAGGTTTTCCATGGCATTTTAGTCCTGAGCC[T>A]CATTACAGTGGACATGTTATCATCCTCATCTTCCTCCTCTTCTTCCTCTACATACAAAAA-3'
Protein context (NP_064693.2, residues 962-982): DEDDNMSTVM[Arg972Trp]LRTKMPWKTC